The following is an entry in ClinVar:

ClinVar aggregate classification (germline): Uncertain significance (1 of 4 stars; one submission).

Submission:

Clinical Genomics Laboratory, Stanford Medicine
Classification: Uncertain significance. Last evaluated: 2022-05-27. Review status: criteria provided, single submitter. Criteria: ACMG Guidelines, 2015. Collection method: clinical testing. Allele origin: germline. Observed: 1 variant allele, 1 heterozygote.
Comment: The p.Asn246Lys variant in the ANKRD1 gene has not been previously reported in association with disease. This variant has been identified in 1/34,586 Latino/Admixed American chromosomes by the Genome Aggregation Database. Computational tools predict that this variant does not impact protein function; however, the accuracy of in silico algorithms is limited. These data were assessed using the ACMG/AMP variant interpretation guidelines. In summary, the significance of the p.Asn246Lys variant is uncertain. Additional information is needed to resolve the significance of this variant. [ACMG evidence codes used: PM2]

NM_014391.3(ANKRD1):c.738C>A (p.Asn246Lys)

Gene: ANKRD1 (ankyrin repeat domain 1; minus strand). Cytogenetic location: 10q23.31.
Variant type: single nucleotide variant.
Coding change: c.738C>A on transcript NM_014391.3 (MANE Select); coding-DNA position 738, C replaced by A.
Protein change: p.Asn246Lys; replaces asparagine 246 with lysine.
Molecular consequence: missense variant.
Genome position (GRCh38, 1-based): chr10:90,915,794, G>T on the plus strand (C>A on the coding strand, the complement: ANKRD1 is on the minus strand). VCF-style: chr10-90915794-G-T. GRCh37 (hg19) VCF-style: chr10-92675551-G-T.
Other names: short protein forms N246K.
Identifiers: ClinVar variation 3766441 (VCV003766441.1).